The following is an entry in ClinVar:

NM_004753.7(DHRS3):c.240G>A (p.Thr80=)

Gene: DHRS3 (dehydrogenase/reductase 3; minus strand). Cytogenetic location: 1p36.21.
Variant type: single nucleotide variant.
Coding change: c.240G>A on transcript NM_004753.7 (MANE Select); coding-DNA position 240, G replaced by A.
Protein change: p.Thr80=; no amino-acid change (threonine 80 retained).
Molecular consequence: synonymous variant. On other transcripts: 5 prime UTR variant (2).
Genome position (GRCh38, 1-based): chr1:12,580,622, C>T on the plus strand (G>A on the coding strand, the complement: DHRS3 is on the minus strand). VCF-style: chr1-12580622-C-T. GRCh37 (hg19) VCF-style: chr1-12640650-C-T.
Other names: c.-16G>A (NM_001319225.2, NM_001324370.2).
Identifiers: ClinVar variation 3059562 (VCV003059562.2), dbSNP rs11540058, ClinGen allele CA604748.

ClinVar aggregate classification (germline): Benign (0 of 4 stars; one submission).

Conditions:
DHRS3-related disorder. Also called: DHRS3-related condition.

Allele frequency attached by ClinVar (database versions not stated): 1000 Genomes Project 30x 0.07761; 1000 Genomes Project 0.07967; TOPMed 0.13211; gnomAD 0.14026; ExAC 0.14711; ESP Exome Variant Server 0.15954; gnomAD exomes 0.19269.
gnomAD v4.1: 302,227 of 1,613,930 alleles (19%); highest among the groups gnomAD compares: Non-Finnish European, 21%; 31,081 homozygotes.

Submission:

PreventionGenetics, part of Exact Sciences
Classification: Benign for DHRS3-related condition. Last evaluated: 2019-10-28. Review status: no assertion criteria provided. Collection method: clinical testing. Allele origin: germline.
Comment: This variant is classified as benign based on ACMG/AMP sequence variant interpretation guidelines (Richards et al. 2015 PMID: 25741868, with internal and published modifications).